The following is an entry in ClinVar:

NM_015512.5(DNAH1):c.9640G>A (p.Asp3214Asn)

Gene: DNAH1 (dynein axonemal heavy chain 1; plus strand). Cytogenetic location: 3p21.1.
Variant type: single nucleotide variant.
Coding change: c.9640G>A on transcript NM_015512.5 (MANE Select); coding-DNA position 9640, G replaced by A.
Protein change: p.Asp3214Asn; replaces aspartic acid 3214 with asparagine.
Molecular consequence: missense variant.
Genome position (GRCh38, 1-based): chr3:52,390,953, G>A. VCF-style: chr3-52390953-G-A. GRCh37 (hg19) VCF-style: chr3-52424969-G-A.
Other names: short protein forms D3214N.
Identifiers: ClinVar variation 2147383 (VCV002147383.4), dbSNP rs536088715, ClinGen allele CA2435586.
Genomic context (GRCh38, chr3:52,390,953, plus strand): 5'-GCAGGAAAGCTCTGACCCAGTCCAGTGCCTGGCTCTCCACAGATCGCTGGCCTCCCCAAC[G>A]ACACACTGTCAGTGGAGAACGGGGTCATCAACCAGTTTTCCCAGCGCTGGACCCACTTCA-3'
Protein context (NP_056327.4, residues 3204-3224): RSWQIAGLPN[Asp3214Asn]TLSVENGVIN

ClinVar aggregate classification (germline): Uncertain significance. Review status: criteria provided, multiple submitters, no conflicts (2 of 4 stars). 2 submissions from 2 submitters: Uncertain significance (2). Last evaluated 2024-10-25.

Conditions:
Spermatogenic failure 18. Identifiers: MedGen C4539783, MONDO:0054615, OMIM 617576.
Ciliary dyskinesia, primary, 37 (CILD37). Also called: CILIARY DYSKINESIA, PRIMARY, 37, WITH OR WITHOUT SITUS INVERSUS. Identifiers: MedGen C4539798, MONDO:0033204, OMIM 617577.

Allele frequency attached by ClinVar (database versions not stated): TOPMed 0.00002; gnomAD 0.00003; gnomAD exomes 0.00003; ExAC 0.00004; 1000 Genomes Project 30x 0.00016; 1000 Genomes Project 0.00020.
gnomAD v4.1: 43 of 1,552,028 alleles (0.0028%); highest among the groups gnomAD compares: Admixed American, 0.0039%; no homozygotes.

Submissions (2):

Labcorp Genetics (formerly Invitae), Labcorp
Classification: Uncertain significance for Ciliary dyskinesia, primary, 37; Spermatogenic failure 18. Last evaluated: 2024-10-25. Review status: criteria provided, single submitter. Criteria: Invitae Variant Classification Sherloc (09022015). Collection method: clinical testing. Allele origin: germline.
Comment: This sequence change replaces aspartic acid, which is acidic and polar, with asparagine, which is neutral and polar, at codon 3214 of the DNAH1 protein (p.Asp3214Asn). The frequency data for this variant in the population databases is considered unreliable, as metrics indicate poor data quality at this position in the gnomAD database. This variant has not been reported in the literature in individuals affected with DNAH1-related conditions. ClinVar contains an entry for this variant (Variation ID: 2147383). Invitae Evidence Modeling of protein sequence and biophysical properties (such as structural, functional, and spatial information, amino acid conservation, physicochemical variation, residue mobility, and thermodynamic stability) has been performed for this missense variant. However, the output from this modeling did not meet the statistical confidence thresholds required to predict the impact of this variant on DNAH1 protein function. In summary, the available evidence is currently insufficient to determine the role of this variant in disease. Therefore, it has been classified as a Variant of Uncertain Significance.

Blueprint Genetics
Classification: Uncertain significance. Last evaluated: 2022-04-27. Review status: criteria provided, single submitter. Criteria: ACMG Guidelines, 2015. Collection method: clinical testing. Allele origin: germline.